The following is an entry in ClinVar:

ClinVar aggregate classification (germline): Conflicting classifications of pathogenicity. Review status: criteria provided, conflicting classifications (1 of 4 stars). 3 submissions from 3 submitters: Uncertain significance (2); Likely benign (1). Last evaluated 2025-09-03.

Conditions:
Hereditary cancer-predisposing syndrome. Also called: Neoplastic Syndromes, Hereditary; Hereditary neoplastic syndrome; Tumor predisposition; Hereditary Cancer Syndrome. Identifiers: Orphanet 140162, MedGen C0027672, MeSH D009386, MONDO:0015356.
Ataxia-telangiectasia syndrome (AT). Also called: Ataxia telangiectasia (A-T); Cerebello-oculocutaneous telangiectasia; Immunodeficiency with ataxia telangiectasia; LOUIS-BAR SYNDROME; AT, COMPLEMENTATION GROUP C; ATAXIA-TELANGIECTASIA, FRESNO VARIANT. Identifiers: Orphanet 100, MedGen C0004135, MONDO:0008840, OMIM 208900.

Allele frequency attached by ClinVar (database versions not stated): gnomAD exomes below 0.00001.
gnomAD v4.1: 1 of 1,612,458 alleles (0.000062%); highest among the groups gnomAD compares: South Asian, 0.0011%; no homozygotes.

Submissions (3):

Labcorp Genetics (formerly Invitae), Labcorp
Classification: Likely benign for Ataxia-telangiectasia syndrome. Last evaluated: 2025-09-03. Review status: criteria provided, single submitter. Criteria: Invitae Variant Classification Sherloc (09022015). Collection method: clinical testing. Allele origin: germline.

Color Diagnostics, LLC DBA Color Health
Classification: Uncertain significance for Hereditary cancer-predisposing syndrome. Last evaluated: 2018-10-05. Review status: criteria provided, single submitter. Criteria: ACMG Guidelines, 2015. Collection method: clinical testing. Allele origin: germline.

GeneDx
Classification: Uncertain significance. Last evaluated: 2016-01-07. Review status: criteria provided, single submitter. Criteria: GeneDx Variant Classification (06012015). Collection method: clinical testing. Allele origin: germline. Affected: yes.
Comment: This variant is denoted ATM c.7515+19A>T or IVS50+19A>T and consists of a A>T nucleotide substitution at the +19 position of intron 50 of the ATM gene. In silico models do not predict an impact on splicing. This variant has not, to our knowledge, been published in the literature as pathogenic or benign. ATM c.7515+19A>T was not observed in approximately 6,500 individuals of European and African American ancestry in the NHLBI Exome Sequencing Project, suggesting it is not a common benign variant in these populations. The adenine (A) nucleotide that is altered is conserved across species. Based on currently available information, it is unclear whether ATM c.7515+19A>T is pathogenic or benign.

NM_000051.4(ATM):c.7515+19A>T

Genes: ATM (ATM serine/threonine kinase; plus strand), C11orf65 (chromosome 11 open reading frame 65; minus strand). Cytogenetic location: 11q22.3.
Variant type: single nucleotide variant.
Coding change: c.7515+19A>T on transcript NM_000051.4 (MANE Select); 19 bases into the intron after coding-DNA position 7515, A replaced by T.
Molecular consequence: intron variant.
Genome position (GRCh38, 1-based): chr11:108,330,440, A>T. VCF-style: chr11-108330440-A-T. GRCh37 (hg19) VCF-style: chr11-108201167-A-T.
Other names: c.7515+19A>T (NM_001351834.2); c.641-21369T>A (NM_001330368.2); c.*38+4780T>A (NM_001351110.2).
Identifiers: ClinVar variation 246306 (VCV000246306.9), dbSNP rs879254202, ClinGen allele CA10584367.